The following is an entry in ClinVar:

ClinVar aggregate classification (germline): Pathogenic (1 of 4 stars; one submission).

Submission:

Labcorp Genetics (formerly Invitae), Labcorp
Classification: Pathogenic. Last evaluated: 2024-06-10. Review status: criteria provided, single submitter. Criteria: Invitae Variant Classification Sherloc (09022015). Collection method: clinical testing. Allele origin: germline.
Comment: This sequence change creates a premature translational stop signal (p.Ser48Profs*48) in the CTNNA1 gene. It is expected to result in an absent or disrupted protein product. Loss-of-function variants in CTNNA1 are known to be pathogenic (PMID: 32051609, 34425242). This variant is not present in population databases (gnomAD no frequency). This variant has not been reported in the literature in individuals affected with CTNNA1-related conditions. For these reasons, this variant has been classified as Pathogenic.

Literature cited by the submitters: PubMed 32051609; PubMed 34425242.

NM_001903.5(CTNNA1):c.140_141dup (p.Ser48fs)

Gene: CTNNA1 (catenin alpha 1; plus strand). Cytogenetic location: 5q31.2.
Variant type: Duplication.
Coding change: c.140_141dup on transcript NM_001903.5 (MANE Select); coding-DNA positions 140 to 141, 2 bases duplicated (CC; older notation c.140_141dupCC).
Protein change: p.Ser48fs; shifts the reading frame from serine 48.
Molecular consequence: frameshift variant. On other transcripts: intron variant (1), 5 prime UTR variant (1).
Genome position (GRCh38, 1-based): chr5:138,783,211-138,783,212, CC duplicated; duplicating any 2 consecutive bases within chr5:138,783,210-138,783,212 gives the same sequence; the c. name uses the placement nearest the transcript's 3' end. VCF-style (leftmost placement, unchanged base first): chr5-138783209-G-GCC. GRCh37 (hg19) VCF-style: chr5-138118898-G-GCC.
Other names: c.140_141dup, p.Ser48fs (NM_001323984.2, NM_001323985.2, NM_001323986.2 and 3 more transcripts); c.-9+1182_-9+1183dup (NM_001290309.3); c.-67_-66dup (NM_001290310.3); short protein forms S48fs.
Identifiers: ClinVar variation 3677342 (VCV003677342.2).